The following is an entry in ClinVar:

ClinVar aggregate classification (germline): Likely benign (0 of 4 stars; one submission).

Conditions:
DNAH14-related disorder. Also called: DNAH14-related condition.

Allele frequency attached by ClinVar (database versions not stated): gnomAD exomes 0.00005; ExAC 0.00021; gnomAD 0.00066; TOPMed 0.00067; 1000 Genomes Project 30x 0.00078; 1000 Genomes Project 0.00080; ESP Exome Variant Server 0.00088.
gnomAD v4.1: 175 of 1,523,922 alleles (0.011%); highest among the groups gnomAD compares: African/African-American, 0.21%; no homozygotes.

Submission:

PreventionGenetics, part of Exact Sciences
Classification: Likely benign for DNAH14-related condition. Last evaluated: 2023-07-16. Review status: no assertion criteria provided. Collection method: clinical testing. Allele origin: germline.
Comment: This variant is classified as likely benign based on ACMG/AMP sequence variant interpretation guidelines (Richards et al. 2015 PMID: 25741868, with internal and published modifications).

NM_001367479.1(DNAH14):c.2113A>G (p.Met705Val)

Gene: DNAH14 (dynein axonemal heavy chain 14; plus strand). Cytogenetic location: 1q42.12.
Variant type: single nucleotide variant.
Coding change: c.2113A>G on transcript NM_001367479.1 (MANE Select); coding-DNA position 2113, A replaced by G.
Protein change: p.Met705Val; replaces methionine 705 with valine.
Molecular consequence: missense variant.
Genome position (GRCh38, 1-based): chr1:225,051,484, A>G. VCF-style: chr1-225051484-A-G. GRCh37 (hg19) VCF-style: chr1-225239186-A-G.
Other names: NM_001373.1:c.2113A>G; short protein forms M705V.
Identifiers: ClinVar variation 3049223 (VCV003049223.2), dbSNP rs140164319, ClinGen allele CA1415766.